The following is an entry in ClinVar:

NM_000038.6(APC):c.8158A>T (p.Asn2720Tyr)

Gene: APC (APC regulator of Wnt signaling pathway; plus strand). Cytogenetic location: 5q22.2.
Variant type: single nucleotide variant.
Coding change: c.8158A>T on transcript NM_000038.6 (MANE Select); coding-DNA position 8158, A replaced by T.
Protein change: p.Asn2720Tyr; replaces asparagine 2720 with tyrosine.
Molecular consequence: missense variant. On other transcripts: non-coding transcript variant (2).
Genome position (GRCh38, 1-based): chr5:112,843,752, A>T. VCF-style: chr5-112843752-A-T. GRCh37 (hg19) VCF-style: chr5-112179449-A-T.
Other names: c.8158A>T, p.Asn2720Tyr (NM_001127510.3, NM_001354895.2, NM_001407450.1); c.8104A>T, p.Asn2702Tyr (NM_001127511.3); c.8212A>T, p.Asn2738Tyr (NM_001354896.2, NM_001407447.1, NM_001407448.1 and 1 more transcripts); c.8188A>T, p.Asn2730Tyr (NM_001354897.2); c.8083A>T, p.Asn2695Tyr (NM_001354898.2); c.8074A>T, p.Asn2692Tyr (NM_001354899.2); c.8035A>T, p.Asn2679Tyr (NM_001354900.2); c.7981A>T, p.Asn2661Tyr (NM_001354901.2, NM_001407453.1); and 11 more; short protein forms N2560Y, N2679Y, N2692Y, N2710Y, N2713Y, N2336Y, N2619Y, N2661Y.
Identifiers: ClinVar variation 4584166 (VCV004584166.1).

ClinVar aggregate classification (germline): Uncertain significance (1 of 4 stars; one submission).

Conditions:
Hereditary cancer-predisposing syndrome. Also called: Neoplastic Syndromes, Hereditary; Tumor predisposition; Hereditary Cancer Syndrome; Hereditary neoplastic syndrome. Identifiers: Orphanet 140162, MedGen C0027672, MeSH D009386, MONDO:0015356.

Submission:

Ambry Genetics
Classification: Uncertain significance for Hereditary cancer-predisposing syndrome. Last evaluated: 2025-10-16. Review status: criteria provided, single submitter. Criteria: Ambry Variant Classification Scheme 2023. Collection method: clinical testing. Allele origin: germline.
Comment: The p.N2720Y variant (also known as c.8158A>T), located in coding exon 15 of the APC gene, results from an A to T substitution at nucleotide position 8158. The asparagine at codon 2720 is replaced by tyrosine, an amino acid with dissimilar properties. This amino acid position is conserved. In addition, in silico predictors for this gene do not accurately predict pathogenicity. Based on the available evidence, the clinical significance of this variant remains unclear.